The following is an entry in ClinVar:

NM_014795.4(ZEB2):c.1469A>C (p.His490Pro)

Gene: ZEB2 (zinc finger E-box binding homeobox 2; minus strand). Cytogenetic location: 2q22.3.
Variant type: single nucleotide variant.
Coding change: c.1469A>C on transcript NM_014795.4 (MANE Select); coding-DNA position 1469, A replaced by C.
Protein change: p.His490Pro; replaces histidine 490 with proline.
Molecular consequence: missense variant.
Genome position (GRCh38, 1-based): chr2:144,399,718, T>G on the plus strand (A>C on the coding strand, the complement: ZEB2 is on the minus strand). VCF-style: chr2-144399718-T-G. GRCh37 (hg19) VCF-style: chr2-145157285-T-G.
Other names: c.1397A>C, p.His466Pro (NM_001171653.2); short protein forms H466P, H490P.
Identifiers: ClinVar variation 2790519 (VCV002790519.3), dbSNP rs2549106794, ClinGen allele CA348711320.

ClinVar aggregate classification (germline): Uncertain significance (1 of 4 stars; one submission).

Conditions:
Mowat-Wilson syndrome (MOWS). Also called: Classic Mowat-Wilson Syndrome. Identifiers: Orphanet 2152, MedGen C1856113, MONDO:0009341, OMIM 235730.

Submission:

Labcorp Genetics (formerly Invitae), Labcorp
Classification: Uncertain significance for Mowat-Wilson syndrome. Last evaluated: 2023-11-15. Review status: criteria provided, single submitter. Criteria: Invitae Variant Classification Sherloc (09022015). Collection method: clinical testing. Allele origin: germline.
Comment: This sequence change replaces histidine, which is basic and polar, with proline, which is neutral and non-polar, at codon 490 of the ZEB2 protein (p.His490Pro). This variant is not present in population databases (gnomAD no frequency). This variant has not been reported in the literature in individuals affected with ZEB2-related conditions. Advanced modeling of protein sequence and biophysical properties (such as structural, functional, and spatial information, amino acid conservation, physicochemical variation, residue mobility, and thermodynamic stability) performed at Invitae indicates that this missense variant is not expected to disrupt ZEB2 protein function with a negative predictive value of 80%. In summary, the available evidence is currently insufficient to determine the role of this variant in disease. Therefore, it has been classified as a Variant of Uncertain Significance.